The following is an entry in ClinVar:

NM_001164508.2(NEB):c.2155C>T (p.Pro719Ser)

Gene: NEB (nebulin; minus strand). Cytogenetic location: 2q23.3.
Variant type: single nucleotide variant.
Coding change: c.2155C>T on transcript NM_001164508.2 (MANE Select); coding-DNA position 2155, C replaced by T.
Protein change: p.Pro719Ser; replaces proline 719 with serine.
Molecular consequence: missense variant.
Genome position (GRCh38, 1-based): chr2:151,691,920, G>A on the plus strand (C>T on the coding strand, the complement: NEB is on the minus strand). VCF-style: chr2-151691920-G-A. GRCh37 (hg19) VCF-style: chr2-152548434-G-A.
Other names: c.2155C>T, p.Pro719Ser (NM_001164507.2, NM_001271208.2, NM_004543.5); short protein forms P719S.
Identifiers: ClinVar variation 331529 (VCV000331529.19), dbSNP rs376503299, ClinGen allele CA1911310.

ClinVar aggregate classification (germline): Conflicting classifications of pathogenicity. Review status: criteria provided, conflicting classifications (1 of 4 stars). 7 submissions from 7 submitters: Uncertain significance (5); Likely benign (1). 1 of the submissions does not count toward it. Last evaluated 2025-07-01.

Conditions:
Inborn genetic diseases. Identifiers: MedGen C0950123, MeSH D030342.
Nemaline myopathy 2 (NEM2). Also called: Nemaline myopathy 2, autosomal recessive. Identifiers: MedGen C1850569, MONDO:0009725, OMIM 256030.

Allele frequency attached by ClinVar (database versions not stated): gnomAD exomes 0.00002; TOPMed 0.00002.
gnomAD v4.1: 38 of 1,608,256 alleles (0.0024%); highest among the groups gnomAD compares: Non-Finnish European, 0.0028%; no homozygotes.

Submissions (7):

Revvity Omics, Revvity
Classification: Uncertain significance. Last evaluated: 2025-07-01. Review status: criteria provided, single submitter. Criteria: ACMG Guidelines, 2015. Collection method: clinical testing. Allele origin: germline.

Labcorp Genetics (formerly Invitae), Labcorp
Classification: Likely benign for Nemaline myopathy 2. Last evaluated: 2025-06-03. Review status: criteria provided, single submitter. Criteria: Invitae Variant Classification Sherloc (09022015). Collection method: clinical testing. Allele origin: germline.

Ambry Genetics
Classification: Uncertain significance for Inborn genetic diseases. Last evaluated: 2025-01-15. Review status: criteria provided, single submitter. Criteria: Ambry Variant Classification Scheme 2023. Collection method: clinical testing. Allele origin: germline.

Blueprint Genetics
Classification: Uncertain significance. Last evaluated: 2024-03-15. Review status: criteria provided, single submitter. Criteria: ACMG Guidelines, 2015. Collection method: clinical testing. Allele origin: germline.

GeneDx
Classification: Uncertain significance. Last evaluated: 2024-03-08. Review status: criteria provided, single submitter. Criteria: GeneDx Variant Classification Process June 2021. Collection method: clinical testing. Allele origin: germline. Affected: yes.
Comment: Not observed at significant frequency in large population cohorts (gnomAD); In silico analysis supports that this missense variant has a deleterious effect on protein structure/function; Has not been previously published as pathogenic or benign to our knowledge

Illumina Laboratory Services, Illumina
Classification: Uncertain significance for Nemaline myopathy 2. Last evaluated: 2018-01-13. Review status: criteria provided, single submitter. Criteria: ICSL Variant Classification Criteria 13 December 2019. Collection method: clinical testing. Allele origin: germline.

Natera, Inc.
Classification: Uncertain significance for Nemaline myopathy type 2. Last evaluated: 2019-11-11. Review status: no assertion criteria provided. Collection method: clinical testing. Allele origin: germline. Not counted in ClinVar's aggregate classification.